The following is an entry in ClinVar:

ClinVar aggregate classification (germline): Uncertain significance (1 of 4 stars; one submission).

gnomAD v4.1: 1 of 1,613,930 alleles (0.000062%); highest among the groups gnomAD compares: Admixed American, 0.0017%; no homozygotes.

Submission:

Labcorp Genetics (formerly Invitae), Labcorp
Classification: Uncertain significance. Last evaluated: 2024-11-18. Review status: criteria provided, single submitter. Criteria: Invitae Variant Classification Sherloc (09022015). Collection method: clinical testing. Allele origin: germline.
Comment: This sequence change replaces phenylalanine, which is neutral and non-polar, with valine, which is neutral and non-polar, at codon 448 of the RHOBTB2 protein (p.Phe448Val). This variant is not present in population databases (gnomAD no frequency). This variant has not been reported in the literature in individuals affected with RHOBTB2-related conditions. Invitae Evidence Modeling of protein sequence and biophysical properties (such as structural, functional, and spatial information, amino acid conservation, physicochemical variation, residue mobility, and thermodynamic stability) indicates that this missense variant is not expected to disrupt RHOBTB2 protein function with a negative predictive value of 80%. In summary, the available evidence is currently insufficient to determine the role of this variant in disease. Therefore, it has been classified as a Variant of Uncertain Significance.

NM_015178.3(RHOBTB2):c.1276T>G (p.Phe426Val)

Gene: RHOBTB2 (Rho related BTB domain containing 2; plus strand). Cytogenetic location: 8p21.3.
Variant type: single nucleotide variant.
Coding change: c.1276T>G on transcript NM_015178.3 (MANE Select); coding-DNA position 1276, T replaced by G.
Protein change: p.Phe426Val; replaces phenylalanine 426 with valine.
Molecular consequence: missense variant.
Genome position (GRCh38, 1-based): chr8:23,007,521, T>G. VCF-style: chr8-23007521-T-G. GRCh37 (hg19) VCF-style: chr8-22865034-T-G.
Other names: c.1342T>G, p.Phe448Val (NM_001160036.2); c.1297T>G, p.Phe433Val (NM_001160037.2); c.1276T>G, p.Phe426Val (NM_001374791.1); short protein forms F426V, F433V, F448V.
Identifiers: ClinVar variation 3675823 (VCV003675823.2).